The following is an entry in ClinVar:

ClinVar aggregate classification (germline): Uncertain significance. Review status: criteria provided, multiple submitters, no conflicts (2 of 4 stars). 2 submissions from 2 submitters: Uncertain significance (2). Last evaluated 2026-06-03.

Conditions:
Dyskeratosis congenita, autosomal recessive 5 (DKCB5). Identifiers: MedGen C3554656, MONDO:0014076, OMIM 615190.
Pulmonary fibrosis and/or bone marrow failure, Telomere-related, 3. Also called: PULMONARY FIBROSIS AND/OR BONE MARROW FAILURE SYNDROME, TELOMERE-RELATED, 3. Identifiers: Orphanet 2032, MedGen C4225346, MONDO:0014613, OMIM 616373.
Inborn genetic diseases. Identifiers: MedGen C0950123, MeSH D030342.

Submissions (2):

Ambry Genetics
Classification: Uncertain significance for Inborn genetic diseases. Last evaluated: 2026-06-03. Review status: criteria provided, single submitter. Criteria: Ambry Variant Classification Scheme 2023. Collection method: clinical testing. Allele origin: germline.
Comment: The p.H946Q variant (also known as c.2838C>G), located in coding exon 28 of the RTEL1 gene, results from a C to G substitution at nucleotide position 2838. The histidine at codon 946 is replaced by glutamine, an amino acid with highly similar properties. This amino acid position is conserved. In addition, this alteration is predicted to be tolerated by in silico analysis. Based on the available evidence, the clinical significance of this variant remains unclear.

Labcorp Genetics (formerly Invitae), Labcorp
Classification: Uncertain significance for Dyskeratosis congenita, autosomal recessive 5; Pulmonary fibrosis and/or bone marrow failure, Telomere-related, 3. Last evaluated: 2024-12-15. Review status: criteria provided, single submitter. Criteria: Invitae Variant Classification Sherloc (09022015). Collection method: clinical testing. Allele origin: germline.
Comment: This sequence change replaces histidine, which is basic and polar, with glutamine, which is neutral and polar, at codon 946 of the RTEL1 protein (p.His946Gln). This variant is not present in population databases (gnomAD no frequency). This variant has not been reported in the literature in individuals affected with RTEL1-related conditions. An algorithm developed to predict the effect of missense changes on protein structure and function (PolyPhen-2) suggests that this variant is likely to be disruptive. In summary, the available evidence is currently insufficient to determine the role of this variant in disease. Therefore, it has been classified as a Variant of Uncertain Significance.

NM_001283009.2(RTEL1):c.2838C>G (p.His946Gln)

Genes: RTEL1-TNFRSF6B (RTEL1-TNFRSF6B readthrough (NMD candidate); plus strand), RTEL1 (regulator of telomere elongation helicase 1; plus strand). Cytogenetic location: 20q13.33.
Variant type: single nucleotide variant.
Coding change: c.2838C>G on transcript NM_001283009.2 (MANE Select); coding-DNA position 2838, C replaced by G.
Protein change: p.His946Gln; replaces histidine 946 with glutamine.
Molecular consequence: missense variant. On other transcripts: non-coding transcript variant (1).
Genome position (GRCh38, 1-based): chr20:63,692,990, C>G. VCF-style: chr20-63692990-C-G. GRCh37 (hg19) VCF-style: chr20-62324343-C-G.
Other names: c.2169C>G, p.His723Gln (NM_001283010.1); c.2838C>G, p.His946Gln (NM_016434.4); c.2910C>G, p.His970Gln (NM_032957.5); short protein forms H723Q, H946Q, H970Q.
Identifiers: ClinVar variation 3749414 (VCV003749414.3).
Genomic context (GRCh38, chr20:63,692,990, plus strand): 5'-TGACTTCGCCGCCCTGGCCGCCTGTCTCGGCCCCCTCTTTGCTGAGGACCCCAAGAAGCA[C>G]AACCTGCTCCAAGGTGCCCTGGCTTGCAGAGGCCACCCACCCTGAGGGCAGTGCTGCCGC-3'
Protein context (NP_001269938.1, residues 936-956): GPLFAEDPKK[His946Gln]NLLQGFYQFV